The following is an entry in ClinVar:

ClinVar aggregate classification (germline): Likely pathogenic. Review status: criteria provided, single submitter (1 of 4 stars). 2 submissions from 2 submitters: Likely pathogenic (1). 1 of the submissions does not count toward it. Last evaluated 2019-09-30.

Conditions:
DZIP1L-related disorder. Also called: DZIP1L-related condition.
Polycystic kidney disease 5. Identifiers: MedGen C4539903, MONDO:0033281, OMIM 617610.

Allele frequency attached by ClinVar (database versions not stated): gnomAD exomes below 0.00001; ExAC 0.00002.

Submissions (2):

Baylor Genetics
Classification: Likely pathogenic for Polycystic kidney disease 5. Last evaluated: 2019-09-30. Review status: criteria provided, single submitter. Criteria: ACMG Guidelines, 2015. Collection method: clinical testing. Allele origin: unknown. Affected: yes.
Comment: This variant was determined to be likely pathogenic according to ACMG Guidelines, 2015 [PMID:25741868].

PreventionGenetics, part of Exact Sciences
Classification: Likely pathogenic for DZIP1L-related condition. Last evaluated: 2024-03-18. Review status: no assertion criteria provided. Collection method: clinical testing. Allele origin: germline. Not counted in ClinVar's aggregate classification.
Comment: The DZIP1L c.727C>T variant is predicted to result in premature protein termination (p.Gln243*). To our knowledge, this variant has not been reported in the literature. This variant is reported in 0.0064% of alleles in individuals of African descent in gnomAD. Nonsense variants in DZIP1L are expected to be pathogenic. This variant is interpreted as likely pathogenic.

NM_173543.3(DZIP1L):c.727C>T (p.Gln243Ter)

Gene: DZIP1L (DAZ interacting zinc finger protein 1 like; minus strand). Cytogenetic location: 3q22.3.
Variant type: single nucleotide variant.
Coding change: c.727C>T on transcript NM_173543.3 (MANE Select); coding-DNA position 727, C replaced by T.
Protein change: p.Gln243Ter; replaces glutamine 243 with a stop codon.
Molecular consequence: nonsense.
Genome position (GRCh38, 1-based): chr3:138,092,526, G>A on the plus strand (C>T on the coding strand, the complement: DZIP1L is on the minus strand). VCF-style: chr3-138092526-G-A. GRCh37 (hg19) VCF-style: chr3-137811368-G-A.
Other names: c.727C>T, p.Gln243Ter (NM_001170538.1); short protein forms Q243*.
Identifiers: ClinVar variation 1030323 (VCV001030323.2), dbSNP rs747165958, ClinGen allele CA2635167.